The following is an entry in ClinVar:

ClinVar aggregate classification (germline): Conflicting classifications of pathogenicity. Review status: criteria provided, conflicting classifications (1 of 4 stars). 5 submissions from 5 submitters: Pathogenic (1); Likely pathogenic (1); Uncertain significance (2). 1 of the submissions does not count toward it. Last evaluated 2026-02-11.

Conditions:
Inborn genetic diseases. Identifiers: MedGen C0950123, MeSH D030342.
Charcot-Marie-Tooth disease. Also called: Charcot-Marie-Tooth Hereditary Neuropathy; Charcot-Marie-Tooth Neuropathy. Identifiers: Orphanet 166, MedGen C0007959, MONDO:0015626.
Charcot-Marie-Tooth disease, type I (CMT1). Also called: Charcot-Marie-Tooth, Type 1; Charcot-Marie-Tooth disease type 1. Identifiers: Orphanet 65753, MedGen C0751036, MONDO:0019011.
Charcot-Marie-Tooth disease type 2I (CMT2I). Also called: CHARCOT-MARIE-TOOTH DISEASE, AXONAL, TYPE 2I. Identifiers: Orphanet 99942, MedGen C3888087, MONDO:0011889, OMIM 607677.
Charcot-Marie-Tooth disease type 1B. Also called: CHARCOT-MARIE-TOOTH DISEASE, AUTOSOMAL DOMINANT, WITH FOCALLY FOLDED MYELIN SHEATHS, TYPE 1B; CHARCOT-MARIE-TOOTH DISEASE, SLOW NERVE CONDUCTION TYPE, LINKED TO DUFFY; CHARCOT-MARIE-TOOTH NEUROPATHY, TYPE 1B; HEREDITARY MOTOR AND SENSORY NEUROPATHY I; HEREDITARY MOTOR AND SENSORY NEUROPATHY IB; PERONEAL MUSCULAR ATROPHY. Identifiers: Orphanet 101082, MedGen C0270912, MONDO:0007307, OMIM 118200.

Allele frequency attached by ClinVar (database versions not stated): gnomAD exomes below 0.00001.

Submissions (5):

GeneDx
Classification: Uncertain significance. Last evaluated: 2026-02-11. Review status: criteria provided, single submitter. Criteria: GeneDx Variant Classification Process June 2021. Collection method: clinical testing. Allele origin: germline.
Comment: Not observed at significant frequency in large population cohorts (gnomAD); Missense variants in this gene are a common cause of disease and they are underrepresented in the general population; In silico analysis suggests that this missense variant does not alter protein structure/function; This variant is associated with the following publications: (PMID: 18380030, 20461396, 26310628, 28810241, 22222859)

Kariminejad - Najmabadi Pathology & Genetics Center
Classification: Likely pathogenic for Charcot-Marie-Tooth disease type 1B; Charcot-Marie-Tooth disease type 2I. Last evaluated: 2024-06-02. Review status: criteria provided, single submitter. Criteria: ACMG Guidelines, 2015. Collection method: clinical testing. Allele origin: germline. Inheritance: Autosomal dominant inheritance. Affected: yes.
Comment: PP2,PM1,PM2,PP5

Labcorp Genetics (formerly Invitae), Labcorp
Classification: Pathogenic for Charcot-Marie-Tooth disease, type I. Last evaluated: 2023-11-04. Review status: criteria provided, single submitter. Criteria: Invitae Variant Classification Sherloc (09022015). Collection method: clinical testing. Allele origin: germline.
Comment: This sequence change replaces arginine, which is basic and polar, with cysteine, which is neutral and slightly polar, at codon 106 of the MPZ protein (p.Arg106Cys). This variant is not present in population databases (gnomAD no frequency). This missense change has been observed in individuals with Charcot-Marie-Tooth disease (PMID: 22222859). It has also been observed to segregate with disease in related individuals. ClinVar contains an entry for this variant (Variation ID: 637797). Advanced modeling of protein sequence and biophysical properties (such as structural, functional, and spatial information, amino acid conservation, physicochemical variation, residue mobility, and thermodynamic stability) performed at Invitae indicates that this missense variant is not expected to disrupt MPZ protein function with a negative predictive value of 80%. For these reasons, this variant has been classified as Pathogenic.

Ambry Genetics
Classification: Uncertain significance for Inborn genetic diseases. Last evaluated: 2022-03-01. Review status: criteria provided, single submitter. Criteria: Ambry Variant Classification Scheme 2023. Collection method: clinical testing. Allele origin: germline.
Comment: The p.R106C variant (also known as c.316C>T), located in coding exon 3 of the MPZ gene, results from a C to T substitution at nucleotide position 316. The arginine at codon 106 is replaced by cysteine, an amino acid with highly dissimilar properties. This variant was found in multiple individuals with late onset axonal motor and sensory polyneuropathy in the same family, as well as in one unrelated individual (Marttila M et al. J Neurol, 2012 Aug;259:1585-9). This amino acid position is not well conserved in available vertebrate species. In addition, the in silico prediction for this alteration is inconclusive. Since supporting evidence is limited at this time, the clinical significance of this alteration remains unclear.

Inherited Neuropathy Consortium
Classification: Uncertain significance for Charcot-Marie-Tooth disease. Review status: no assertion criteria provided. Collection method: literature only. Allele origin: germline. Affected: yes. Not counted in ClinVar's aggregate classification.

Literature cited by the submitters: PubMed 22222859 (cited by Labcorp Genetics (formerly Invitae), Labcorp and Ambry Genetics); PubMed 18380030 (cited by Inherited Neuropathy Consortium).

NM_000530.8(MPZ):c.316C>T (p.Arg106Cys)

Gene: MPZ (myelin protein zero; minus strand). Cytogenetic location: 1q23.3.
Variant type: single nucleotide variant.
Coding change: c.316C>T on transcript NM_000530.8 (MANE Select); coding-DNA position 316, C replaced by T.
Protein change: p.Arg106Cys; replaces arginine 106 with cysteine.
Molecular consequence: missense variant.
Genome position (GRCh38, 1-based): chr1:161,306,840, G>A on the plus strand (C>T on the coding strand, the complement: MPZ is on the minus strand). VCF-style: chr1-161306840-G-A. GRCh37 (hg19) VCF-style: chr1-161276630-G-A.
Other names: c.316C>T, p.Arg106Cys (NM_001315491.2); c.316C>T (LRG_256t1); short protein forms R106C.
Identifiers: ClinVar variation 637797 (VCV000637797.12), dbSNP rs1571819084, ClinGen allele CA343349401.